The following is an entry in ClinVar:

ClinVar aggregate classification (germline): Pathogenic (1 of 4 stars; one submission).

Conditions:
Breast-ovarian cancer, familial, susceptibility to, 2 (BROVCA2). Also called: BRCA2 Hereditary Breast and Ovarian Cancer. Identifiers: Orphanet 145, MedGen C2675520, MONDO:0012933, OMIM 612555. Disease mechanism: loss of function.

Submission:

Myriad Genetics, Inc.
Classification: Pathogenic for Breast-ovarian cancer, familial, susceptibility to, 2. Last evaluated: 2024-10-30. Review status: criteria provided, single submitter. Criteria: Myriad Autosomal Dominant, Autosomal Recessive and X-Linked Classification Criteria (2023). Collection method: clinical testing. Allele origin: unknown.
Comment: This variant is considered pathogenic. This variant creates a frameshift predicted to result in premature protein truncation.

NM_000059.4(BRCA2):c.6609del (p.Pro2204fs)

Gene: BRCA2 (BRCA2 DNA repair associated; plus strand). Cytogenetic location: 13q13.1.
Variant type: Deletion.
Coding change: c.6609del on transcript NM_000059.4 (MANE Select); coding-DNA position 6609, one base deleted (T; older notation c.6609delT).
Protein change: p.Pro2204fs; shifts the reading frame from proline 2204.
Molecular consequence: frameshift variant. On other transcripts: non-coding transcript variant (1), intron variant (2).
Genome position (GRCh38, 1-based): chr13:32,340,964, T deleted; the last of 2 consecutive T bases (chr13:32,340,963-32,340,964); deleting either gives the same sequence. VCF-style (leftmost placement, unchanged base first): chr13-32340962-GT-G. GRCh37 (hg19) VCF-style: chr13-32915099-GT-G.
Other names: c.6609del, p.Pro2204fs (NM_001406719.1, NM_001406720.1, NM_001432077.1); c.1910-3594del (NM_001406721.1); c.425-3594del (NM_001406722.1); short protein forms P2204fs.
Identifiers: ClinVar variation 3773514 (VCV003773514.1).